The following is an entry in ClinVar:

NM_000466.3(PEX1):c.873_879del (p.Lys291fs)

Gene: PEX1 (peroxisomal biogenesis factor 1; minus strand). Cytogenetic location: 7q21.2.
Variant type: Deletion.
Coding change: c.873_879del on transcript NM_000466.3 (MANE Select); coding-DNA positions 873 to 879, 7 bases deleted (ATCTCAA; older notation c.873_879delATCTCAA).
Protein change: p.Lys291fs; shifts the reading frame from lysine 291.
Molecular consequence: frameshift variant.
Genome position (GRCh38, 1-based): chr7:92,517,636-92,517,642, TTGAGAT deleted on the plus strand (ATCTCAA on the coding strand, the reverse complement: PEX1 is on the minus strand); deleting any 7 consecutive bases within chr7:92,517,636-92,517,645 gives the same sequence; the c. name uses the placement nearest the transcript's 3' end. VCF-style (leftmost placement, unchanged base first): chr7-92517635-GTTGAGAT-G. GRCh37 (hg19) VCF-style: chr7-92146949-GTTGAGAT-G.
Other names: c.873_879del, p.Lys291fs (NM_001282677.2); c.249_255del, p.Lys83fs (NM_001282678.2); short protein forms K291fs, K83fs.
Identifiers: ClinVar variation 4818415 (VCV004818415.1).

ClinVar aggregate classification (germline): Likely pathogenic (1 of 4 stars; one submission).

Conditions:
Zellweger spectrum disorders (ZS). Also called: Zellweger Spectrum Disorder (ZSD); Zellweger syndrome; Zellweger Spectrum Disorder; Zellweger Spectrum. Identifiers: Orphanet 912, MedGen C0043459, MONDO:0019609.

Submission:

Natera, Inc.
Classification: Likely pathogenic for Zellweger syndrome. Last evaluated: 2024-06-03. Review status: criteria provided, single submitter. Criteria: Natera Variant Classification Schema (03/2026). Collection method: clinical testing. Allele origin: germline.
Comment: The c.873_879del variant in PEX1 is a frameshift variant predicted to shift the reading frame beginning at codon 291 and leads to a stop codon 32 codons downstream. This variant is expected to result in nonsense mediated decay, truncation, or a dysfunctional protein product. This variant is rare in the general population with a frequency below the threshold expected for the associated phenotype(s). Given the available evidence, this variant is classified as Likely Pathogenic.